The following is an entry in ClinVar:

ClinVar aggregate classification (germline): Pathogenic (1 of 4 stars; one submission).

Submission:

GeneDx
Classification: Pathogenic. Last evaluated: 2015-08-16. Review status: criteria provided, single submitter. Criteria: GeneDx Variant Classification (06012015). Collection method: clinical testing. Allele origin: germline. Affected: yes.
Comment: The 6900+1G>A variant in the COL7A1 gene has been reported previously in association with DEB(Varki et al. 2007, Chiaverini et al., 2014). This splice site substitution destroys the canonical splice donor site in intron 87. It is predicted to cause abnormal gene splicing, either leading to an abnormal message that is subject to nonsense-mediated mRNA decay, or to an abnormal protein product if the message is used for proteintranslation. The 6900+1G>A variant was not observed in approximately 6,500 individuals of European andAfrican American ancestry in the NHLBI Exome Sequencing Project, indicating it is not a common benignvariant in these populations. We interpret 6900+1G>A as a pathogenic variant.

NM_000094.4(COL7A1):c.6900+1G>A

Gene: COL7A1 (collagen type VII alpha 1 chain; minus strand). Cytogenetic location: 3p21.31.
Variant type: single nucleotide variant.
Coding change: c.6900+1G>A on transcript NM_000094.4 (MANE Select); the canonical splice donor site of the intron after coding-DNA position 6900, G replaced by A.
Molecular consequence: splice donor variant.
Genome position (GRCh38, 1-based): chr3:48,572,670, C>T on the plus strand (G>A on the coding strand, the complement: COL7A1 is on the minus strand). VCF-style: chr3-48572670-C-T. GRCh37 (hg19) VCF-style: chr3-48610103-C-T.
Identifiers: ClinVar variation 419491 (VCV000419491.2), dbSNP rs1064793908, ClinGen allele CA16617981.